The following is an entry in ClinVar:

ClinVar aggregate classification (germline): Uncertain significance (1 of 4 stars; one submission).

gnomAD v4.1: 1 of 1,612,296 alleles (0.000062%); highest among the groups gnomAD compares: Non-Finnish European, 0.000085%; no homozygotes.

Submission:

Labcorp Genetics (formerly Invitae), Labcorp
Classification: Uncertain significance. Last evaluated: 2024-10-09. Review status: criteria provided, single submitter. Criteria: Invitae Variant Classification Sherloc (09022015). Collection method: clinical testing. Allele origin: germline.
Comment: This sequence change replaces threonine, which is neutral and polar, with asparagine, which is neutral and polar, at codon 443 of the SI protein (p.Thr443Asn). This variant is present in population databases (rs751446520, gnomAD 0.0009%). This variant has not been reported in the literature in individuals affected with SI-related conditions. Invitae Evidence Modeling of protein sequence and biophysical properties (such as structural, functional, and spatial information, amino acid conservation, physicochemical variation, residue mobility, and thermodynamic stability) has been performed for this missense variant. However, the output from this modeling did not meet the statistical confidence thresholds required to predict the impact of this variant on SI protein function. In summary, the available evidence is currently insufficient to determine the role of this variant in disease. Therefore, it has been classified as a Variant of Uncertain Significance.

NM_001041.4(SI):c.1328C>A (p.Thr443Asn)

Gene: SI (sucrase-isomaltase; minus strand). Cytogenetic location: 3q26.1.
Variant type: single nucleotide variant.
Coding change: c.1328C>A on transcript NM_001041.4 (MANE Select); coding-DNA position 1328, C replaced by A.
Protein change: p.Thr443Asn; replaces threonine 443 with asparagine.
Molecular consequence: missense variant.
Genome position (GRCh38, 1-based): chr3:165,059,033, G>T on the plus strand (C>A on the coding strand, the complement: SI is on the minus strand). VCF-style: chr3-165059033-G-T. GRCh37 (hg19) VCF-style: chr3-164776821-G-T.
Other names: short protein forms T443N.
Identifiers: ClinVar variation 3692539 (VCV003692539.2).
Genomic context (GRCh38, chr3:165,059,033, plus strand): 5'-ATTGGTGTACTTCCATCTGACTCATTTATCCACACATGTTGTGTGTTTCCCCTCTCATAG[G>T]TTGCATATGTTGTTCCATTGGCACGTCGACCTATGGAAATTGCAGGGTCCTAATAATAGA-3'
Protein context (NP_001032.2, residues 433-453): GRRANGTTYA[Thr443Asn]YERGNTQHVW